The following is an entry in ClinVar:

ClinVar aggregate classification (germline): Conflicting classifications of pathogenicity. Review status: criteria provided, conflicting classifications (1 of 4 stars). 4 submissions from 4 submitters: Likely pathogenic (1); Uncertain significance (3). Last evaluated 2024-06-20.

Conditions:
Inborn genetic diseases. Identifiers: MedGen C0950123, MeSH D030342.
Coenzyme Q10 deficiency, primary, 3 (COQ10D3). Identifiers: Orphanet 255249, MedGen C3553358, MONDO:0013838, OMIM 614652.

Allele frequency attached by ClinVar (database versions not stated): TOPMed 0.00002 and 0.00003; ESP Exome Variant Server 0.00008.

Submissions (4):

Fulgent Genetics
Classification: Likely pathogenic for Coenzyme Q10 deficiency, primary, 3. Last evaluated: 2024-06-20. Review status: criteria provided, single submitter. Criteria: ACMG Guidelines, 2015. Collection method: clinical testing. Allele origin: germline.

Labcorp Genetics (formerly Invitae), Labcorp
Classification: Uncertain significance. Last evaluated: 2024-04-09. Review status: criteria provided, single submitter. Criteria: Invitae Variant Classification Sherloc (09022015). Collection method: clinical testing. Allele origin: germline.
Comment: This sequence change creates a premature translational stop signal (p.Arg349*) in the PDSS2 gene. While this is not anticipated to result in nonsense mediated decay, it is expected to disrupt the last 51 amino acid(s) of the PDSS2 protein. This variant is present in population databases (rs370370070, gnomAD 0.1%). This variant has not been reported in the literature in individuals affected with PDSS2-related conditions. ClinVar contains an entry for this variant (Variation ID: 2174415). Experimental studies and prediction algorithms are not available or were not evaluated, and the functional significance of this variant is currently unknown. Algorithms developed to predict the effect of sequence changes on RNA splicing suggest that this variant may disrupt the consensus splice site. In summary, the available evidence is currently insufficient to determine the role of this variant in disease. Therefore, it has been classified as a Variant of Uncertain Significance.

Women's Health and Genetics/Laboratory Corporation of America, LabCorp
Classification: Uncertain significance. Last evaluated: 2023-01-26. Review status: criteria provided, single submitter. Criteria: LabCorp Variant Classification Summary - May 2015. Collection method: clinical testing. Allele origin: germline.
Comment: Variant summary: PDSS2 c.1045C>T (p.Arg349X), located in the last exon of the gene, results in a premature termination codon predicted to cause a truncation of the encoded protein but is not expected to undergo nonsense mediated decay. No variants downstream of this position have been classified as pathogenic by our laboratory and none have been reported in the ClinVar database. The variant allele was found at a frequency of 7.2e-05 in 251200 control chromosomes (gnomAD). This frequency does not allow for any conclusion to be made about variant significance. To our knowledge, no occurrence of c.1045C>T in individuals affected with Coenzyme Q10 Deficiency and no experimental evidence demonstrating its impact on protein function have been reported. No clinical diagnostic laboratories have submitted clinical-significance assessments for this variant to ClinVar after 2014. Based on the evidence outlined above, the variant was classified as uncertain signficance.

Ambry Genetics
Classification: Uncertain significance for Inborn genetic diseases. Last evaluated: 2022-02-10. Review status: criteria provided, single submitter. Criteria: Ambry Variant Classification Scheme 2023. Collection method: clinical testing. Allele origin: germline.
Comment: The c.1045C>T (p.R349*) alteration, located in exon 8 (coding exon 8) of the PDSS2 gene, consists of a C to T substitution at nucleotide position 1045. This changes the amino acid from a arginine (R) to a stop codon at amino acid position 349. This alteration occurs at the 3' terminus of the PDSS2 gene, is not expected to trigger nonsense-mediated mRNA decay, and only impacts the last 12.5% of the protein. The exact functional effect of this alteration is unknown. Based on data from gnomAD, the T allele has an overall frequency of 0.01% (18/251200) total alleles studied. The highest observed frequency was 0.15% (15/10064) of Ashkenazi Jewish alleles. Based on insufficient or conflicting evidence, the clinical significance of this alteration remains unclear.

NM_020381.4(PDSS2):c.1045C>T (p.Arg349Ter)

Gene: PDSS2 (decaprenyl diphosphate synthase subunit 2; minus strand). Cytogenetic location: 6q21.
Variant type: single nucleotide variant.
Coding change: c.1045C>T on transcript NM_020381.4 (MANE Select); coding-DNA position 1045, C replaced by T.
Protein change: p.Arg349Ter; replaces arginine 349 with a stop codon.
Molecular consequence: nonsense.
Genome position (GRCh38, 1-based): chr6:107,154,774, G>A on the plus strand (C>T on the coding strand, the complement: PDSS2 is on the minus strand). VCF-style: chr6-107154774-G-A. GRCh37 (hg19) VCF-style: chr6-107475978-G-A.
Other names: short protein forms R349*.
Identifiers: ClinVar variation 2174415 (VCV002174415.7), dbSNP rs370370070, ClinGen allele CA3945913.